The following is an entry in ClinVar:

NM_145207.3(AFG2A):c.2586C>G (p.Phe862Leu)

Gene: AFG2A (AAA ATPase AFG2A; plus strand). Cytogenetic location: 4q28.1.
Variant type: single nucleotide variant.
Coding change: c.2586C>G on transcript NM_145207.3 (MANE Select); coding-DNA position 2586, C replaced by G.
Protein change: p.Phe862Leu; replaces phenylalanine 862 with leucine.
Molecular consequence: missense variant.
Genome position (GRCh38, 1-based): chr4:123,313,968, C>G. VCF-style: chr4-123313968-C-G. GRCh37 (hg19) VCF-style: chr4-124235123-C-G.
Other names: c.2583C>G, p.Phe861Leu (NM_001345856.2); short protein forms F861L, F862L.
Identifiers: ClinVar variation 1014275 (VCV001014275.5), dbSNP rs1344006407, ClinGen allele CA358228827.

ClinVar aggregate classification (germline): Uncertain significance. Review status: criteria provided, single submitter (1 of 4 stars). 2 submissions from 2 submitters: Uncertain significance (1). 1 of the submissions does not count toward it. Last evaluated 2024-01-15.

Conditions:
Microcephaly-intellectual disability-sensorineural hearing loss-epilepsy-abnormal muscle tone syndrome (NEDHSB). Also called: NEURODEVELOPMENTAL DISORDER WITH HEARING LOSS, SEIZURES, AND BRAIN ABNORMALITIES. Identifiers: Orphanet 457351, MedGen C4225276, MONDO:0014698, OMIM 616577.

Submissions (2):

Labcorp Genetics (formerly Invitae), Labcorp
Classification: Uncertain significance for Microcephaly-intellectual disability-sensorineural hearing loss-epilepsy-abnormal muscle tone syndrome. Last evaluated: 2024-01-15. Review status: criteria provided, single submitter. Criteria: Invitae Variant Classification Sherloc (09022015). Collection method: clinical testing. Allele origin: germline.
Comment: This sequence change replaces phenylalanine, which is neutral and non-polar, with leucine, which is neutral and non-polar, at codon 862 of the SPATA5 protein (p.Phe862Leu). This variant is not present in population databases (gnomAD no frequency). This variant has not been reported in the literature in individuals affected with SPATA5-related conditions. ClinVar contains an entry for this variant (Variation ID: 1014275). Advanced modeling of protein sequence and biophysical properties (such as structural, functional, and spatial information, amino acid conservation, physicochemical variation, residue mobility, and thermodynamic stability) performed at Invitae indicates that this missense variant is not expected to disrupt SPATA5 protein function with a negative predictive value of 80%. In summary, the available evidence is currently insufficient to determine the role of this variant in disease. Therefore, it has been classified as a Variant of Uncertain Significance.

Department of Pathology and Laboratory Medicine, Sinai Health System
Classification: Uncertain significance. Review status: no assertion criteria provided. Collection method: clinical testing. Allele origin: unknown. Affected: yes. Study: The Canadian Open Genetics Repository (COGR). Not counted in ClinVar's aggregate classification.
Comment: The SPATA5 p.Phe862Leu variant was not identified in the literature nor was it identified in the dbSNP, ClinVar, Cosmic, MutDB or LOVD 3.0 databases. The variant was not identified in the following control databases: the 1000 Genomes Project, the NHLBI GO Exome Sequencing Project, the Exome Aggregation Consortium (August 8th 2016), or the Genome Aggregation Database (Feb 27, 2017). The p.Phe862 residue is conserved in mammals however computational analyses (PolyPhen-2, SIFT, AlignGVGD, BLOSUM, and MutationTaster) provide inconsistent predictions regarding the impact to the protein; this information is not very predictive of pathogenicity. In summary, based on the above information the clinical significance of this variant cannot be determined with certainty at this time. This variant is classified as a variant of uncertain significance.